The following is an entry in ClinVar:

NM_201384.3(PLEC):c.4996A>G (p.Lys1666Glu)

Gene: PLEC (plectin; minus strand). Cytogenetic location: 8q24.3.
Variant type: single nucleotide variant.
Coding change: c.4996A>G on transcript NM_201384.3 (MANE Select); coding-DNA position 4996, A replaced by G.
Protein change: p.Lys1666Glu; replaces lysine 1666 with glutamic acid.
Molecular consequence: missense variant.
Genome position (GRCh38, 1-based): chr8:143,924,933, T>C on the plus strand (A>G on the coding strand, the complement: PLEC is on the minus strand). VCF-style: chr8-143924933-T-C. GRCh37 (hg19) VCF-style: chr8-144999101-T-C.
Other names: c.5077A>G, p.Lys1693Glu (NM_000445.5); c.4954A>G, p.Lys1652Glu (NM_201378.4); c.4930A>G, p.Lys1644Glu (NM_201379.3); c.5407A>G, p.Lys1803Glu (NM_201380.4); c.4900A>G, p.Lys1634Glu (NM_201381.3); c.4996A>G, p.Lys1666Glu (NM_201382.4); c.5008A>G, p.Lys1670Glu (NM_201383.3); short protein forms K1652E, K1803E, K1634E, K1670E, K1666E, K1693E, K1644E.
Identifiers: ClinVar variation 595415 (VCV000595415.10), dbSNP rs782200875, ClinGen allele CA4926473.

ClinVar aggregate classification (germline): Uncertain significance. Review status: criteria provided, multiple submitters, no conflicts (2 of 4 stars). 2 submissions from 2 submitters: Uncertain significance (2). Last evaluated 2023-06-17.

Conditions:
Epidermolysis bullosa simplex 5B, with muscular dystrophy (EBS5B). Also called: Epidermolysis bullosa simplex with muscular dystrophy; EPIDERMOLYSIS BULLOSA SIMPLEX AND LIMB-GIRDLE MUSCULAR DYSTROPHY. Identifiers: Orphanet 257, MedGen C2931072, MONDO:0009181, OMIM 226670.
Epidermolysis bullosa simplex, Ogna type (EBS5A). Also called: Pidermolysis bullosa simplex 5A, Ogna type; EPIDERMOLYSIS BULLOSA SIMPLEX 5A, OGNA TYPE. Identifiers: Orphanet 79401, MedGen C0432317, MONDO:0007555, OMIM 131950.
Epidermolysis bullosa simplex with nail dystrophy (EBS5D). Identifiers: MedGen C4225309, MONDO:0014661, OMIM 616487.
Autosomal recessive limb-girdle muscular dystrophy type 2Q (LGMDR17). Also called: MUSCULAR DYSTROPHY, LIMB-GIRDLE, AUTOSOMAL RECESSIVE 17. Identifiers: Orphanet 254361, MedGen C3150989, MONDO:0013390, OMIM 613723.
Epidermolysis bullosa simplex 5C, with pyloric atresia (EBS5C). Also called: PLEC-Related Epidermolysis Bullosa with Pyloric Atresia; Epidermolysis bullosa simplex with pyloric atresia; PLEC1-Related Epidermolysis Bullosa with Pyloric Atresia. Identifiers: Orphanet 158684, MedGen C2677349, MONDO:0012807, OMIM 612138.

Allele frequency attached by ClinVar (database versions not stated): gnomAD 0.00001; gnomAD exomes 0.00001; TOPMed 0.00001; ExAC 0.00002.
gnomAD v4.1: 34 of 1,584,010 alleles (0.0021%); highest among the groups gnomAD compares: East Asian, 0.0045%; no homozygotes.

Submissions (2):

Labcorp Genetics (formerly Invitae), Labcorp
Classification: Uncertain significance for Autosomal recessive limb-girdle muscular dystrophy type 2Q; Epidermolysis bullosa simplex, Ogna type; Epidermolysis bullosa simplex with nail dystrophy; Epidermolysis bullosa simplex 5C, with pyloric atresia; Epidermolysis bullosa simplex 5B, with muscular dystrophy. Last evaluated: 2023-06-17. Review status: criteria provided, single submitter. Criteria: Invitae Variant Classification Sherloc (09022015). Collection method: clinical testing. Allele origin: germline.
Comment: In summary, the available evidence is currently insufficient to determine the role of this variant in disease. Therefore, it has been classified as a Variant of Uncertain Significance. Experimental studies and prediction algorithms are not available or were not evaluated, and the functional significance of this variant is currently unknown. ClinVar contains an entry for this variant (Variation ID: 595415). This variant has not been reported in the literature in individuals affected with PLEC-related conditions. The frequency data for this variant in the population databases is considered unreliable, as metrics indicate poor data quality at this position in the gnomAD database. This sequence change replaces lysine, which is basic and polar, with glutamic acid, which is acidic and polar, at codon 1693 of the PLEC protein (p.Lys1693Glu).

Eurofins Ntd Llc (ga)
Classification: Uncertain significance. Last evaluated: 2017-12-21. Review status: criteria provided, single submitter. Criteria: EGL Classification Definitions 2015. Collection method: clinical testing. Allele origin: germline. Observed: 1 variant allele, 1 heterozygote.